The following is an entry in ClinVar:

NM_002206.3(ITGA7):c.2704C>T (p.Leu902Phe)

Gene: ITGA7 (integrin subunit alpha 7; minus strand). Cytogenetic location: 12q13.2.
Variant type: single nucleotide variant.
Coding change: c.2704C>T on transcript NM_002206.3 (MANE Select); coding-DNA position 2704, C replaced by T.
Protein change: p.Leu902Phe; replaces leucine 902 with phenylalanine.
Molecular consequence: missense variant.
Genome position (GRCh38, 1-based): chr12:55,693,149, G>A on the plus strand (C>T on the coding strand, the complement: ITGA7 is on the minus strand). VCF-style: chr12-55693149-G-A. GRCh37 (hg19) VCF-style: chr12-56086933-G-A.
Other names: c.2716C>T, p.Leu906Phe (NM_001144996.2); c.2425C>T, p.Leu809Phe (NM_001144997.2); c.2377C>T, p.Leu793Phe (NM_001367993.1); c.1360C>T, p.Leu454Phe (NM_001367994.1); c.2686C>T, p.Leu896Phe (NM_001374465.1); c.2836C>T, p.Leu946Phe (NM_001410977.1); c.2698C>T, p.Leu900Phe (NM_001414029.1); c.2629C>T, p.Leu877Phe (NM_001414030.1); and 5 more; short protein forms L454F, L789F, L793F, L809F, L827F, L841F, L862F, L873F.
Identifiers: ClinVar variation 4806146 (VCV004806146.1).

ClinVar aggregate classification (germline): Uncertain significance (1 of 4 stars; one submission).

Conditions:
Congenital muscular dystrophy due to integrin alpha-7 deficiency. Also called: Congenital muscular dystrophy with integrin alpha-7 deficiency; Muscular dystrophy, congenital, due to ITGA7 deficiency; MYOPATHY, CONGENITAL, DUE TO INTEGRIN ALPHA-7 DEFICIENCY. Identifiers: Orphanet 34520, MedGen C2750786, MONDO:0013177, OMIM 613204.

gnomAD v4.1: 4 of 1,613,852 alleles (0.00025%); highest among the groups gnomAD compares: African/African-American, 0.0053%; no homozygotes.

Submission:

Labcorp Genetics (formerly Invitae), Labcorp
Classification: Uncertain significance for Congenital muscular dystrophy due to integrin alpha-7 deficiency. Last evaluated: 2025-04-29. Review status: criteria provided, single submitter. Criteria: Invitae Variant Classification Sherloc (09022015). Collection method: clinical testing. Allele origin: germline.
Comment: This sequence change replaces leucine, which is neutral and non-polar, with phenylalanine, which is neutral and non-polar, at codon 902 of the ITGA7 protein (p.Leu902Phe). This variant is not present in population databases (gnomAD no frequency). This variant has not been reported in the literature in individuals affected with ITGA7-related conditions. An algorithm developed to predict the effect of missense changes on protein structure and function (PolyPhen-2) suggests that this variant is likely to be disruptive. In summary, the available evidence is currently insufficient to determine the role of this variant in disease. Therefore, it has been classified as a Variant of Uncertain Significance.